The following is an entry in ClinVar:

ClinVar aggregate classification (germline): Uncertain significance. Review status: criteria provided, multiple submitters, no conflicts (2 of 4 stars). 2 submissions from 2 submitters: Uncertain significance (2). Last evaluated 2023-03-14.

Conditions:
Familial hypocalciuric hypercalcemia (FHH). Also called: Familial benign hypercalcemia. Identifiers: Orphanet 405, MedGen C1809471, MONDO:0018458.
Autosomal dominant hypocalcemia 1 (HYPOC1). Also called: HYPOCALCEMIA, FAMILIAL. Identifiers: MedGen C3715128, MONDO:0011013, OMIM 601198.

Allele frequency attached by ClinVar (database versions not stated): gnomAD exomes below 0.00001.
gnomAD v4.1: 10 of 1,614,240 alleles (0.00062%); highest among the groups gnomAD compares: African/African-American, 0.008%; no homozygotes.

Submissions (2):

GeneDx
Classification: Uncertain significance. Last evaluated: 2023-03-14. Review status: criteria provided, single submitter. Criteria: GeneDx Variant Classification Process June 2021. Collection method: clinical testing. Allele origin: germline. Affected: yes.
Comment: Not observed at significant frequency in large population cohorts (gnomAD); In silico analysis supports that this missense variant does not alter protein structure/function; Has not been previously published as pathogenic or benign to our knowledge

Labcorp Genetics (formerly Invitae), Labcorp
Classification: Uncertain significance for Familial hypocalciuric hypercalcemia; Autosomal dominant hypocalcemia 1. Last evaluated: 2022-12-21. Review status: criteria provided, single submitter. Criteria: Invitae Variant Classification Sherloc (09022015). Collection method: clinical testing. Allele origin: germline.
Comment: This variant is not present in population databases (gnomAD no frequency). This sequence change replaces glutamine, which is neutral and polar, with arginine, which is basic and polar, at codon 1028 of the CASR protein (p.Gln1028Arg). This variant has not been reported in the literature in individuals affected with CASR-related conditions. In summary, the available evidence is currently insufficient to determine the role of this variant in disease. Therefore, it has been classified as a Variant of Uncertain Significance. Algorithms developed to predict the effect of missense changes on protein structure and function (SIFT, PolyPhen-2, Align-GVGD) all suggest that this variant is likely to be tolerated. ClinVar contains an entry for this variant (Variation ID: 950661).

NM_000388.4(CASR):c.3083A>G (p.Gln1028Arg)

Gene: CASR (calcium sensing receptor; plus strand). Cytogenetic location: 3q21.1.
Variant type: single nucleotide variant.
Coding change: c.3083A>G on transcript NM_000388.4 (MANE Select); coding-DNA position 3083, A replaced by G.
Protein change: p.Gln1028Arg; replaces glutamine 1028 with arginine.
Molecular consequence: missense variant.
Genome position (GRCh38, 1-based): chr3:122,285,037, A>G. VCF-style: chr3-122285037-A-G. GRCh37 (hg19) VCF-style: chr3-122003884-A-G.
Other names: c.3113A>G, p.Gln1038Arg (NM_001178065.2); short protein forms Q1028R, Q1038R.
Identifiers: ClinVar variation 950661 (VCV000950661.11), dbSNP rs2074953171, ClinGen allele CA354161401.
Genomic context (GRCh38, chr3:122,285,037, plus strand): 5'-CCCGACACGAGCCATTACTCCCGCTGCAGTGCGGGGAAACGGACTTAGATCTGACCGTCC[A>G]GGAAACAGGTCTGCAAGGACCTGTGGGTGGAGACCAGCGGCCAGAGGTGGAGGACCCTGA-3'
Protein context (NP_000379.3, residues 1018-1038): CGETDLDLTV[Gln1028Arg]ETGLQGPVGG